The following is an entry in ClinVar:

NM_024598.4(USB1):c.299A>G (p.Asp100Gly)

Gene: USB1 (U6 snRNA biogenesis phosphodiesterase 1; plus strand). Cytogenetic location: 16q21.
Variant type: single nucleotide variant.
Coding change: c.299A>G on transcript NM_024598.4 (MANE Select); coding-DNA position 299, A replaced by G.
Protein change: p.Asp100Gly; replaces aspartic acid 100 with glycine.
Molecular consequence: missense variant.
Genome position (GRCh38, 1-based): chr16:58,009,962, A>G. VCF-style: chr16-58009962-A-G. GRCh37 (hg19) VCF-style: chr16-58043866-A-G.
Other names: c.299A>G, p.Asp100Gly (NM_001195302.2, NM_001204911.2, NM_001330569.2); c.146A>G, p.Asp49Gly (NM_001330568.2); short protein forms D100G, D49G.
Identifiers: ClinVar variation 3813887 (VCV003813887.1).

ClinVar aggregate classification (germline): Uncertain significance (1 of 4 stars; one submission).

Conditions:
Inborn genetic diseases. Identifiers: MedGen C0950123, MeSH D030342.

Submission:

Ambry Genetics
Classification: Uncertain significance for Inborn genetic diseases. Last evaluated: 2025-02-03. Review status: criteria provided, single submitter. Criteria: Ambry Variant Classification Scheme 2023. Collection method: clinical testing. Allele origin: germline.
Comment: The p.D100G variant (also known as c.299A>G), located in coding exon 3 of the USB1 gene, results from an A to G substitution at nucleotide position 299. The aspartic acid at codon 100 is replaced by glycine, an amino acid with similar properties. This amino acid position is conserved. In addition, this alteration is predicted to be tolerated by in silico analysis. Based on the available evidence, the clinical significance of this variant remains unclear.